The following is an entry in ClinVar:

ClinVar aggregate classification (germline): Likely benign. Review status: criteria provided, multiple submitters, no conflicts (2 of 4 stars). 6 submissions from 6 submitters: Likely benign (6). Last evaluated 2026-05-10.

Conditions:
Hereditary breast ovarian cancer syndrome. Also called: Breast and ovarian cancer; Hereditary breast and ovarian cancer syndrome (HBOC); Hereditary breast and/or ovarian cancer syndrome; Hereditary breast and ovarian cancer syndrome; Hereditary breast and ovarian cancer; BRCA1- and BRCA2-Associated Hereditary Breast and Ovarian Cancer. Identifiers: Orphanet 145, MedGen C0677776, MeSH D061325, MONDO:0003582. Disease mechanism: loss of function.
Hereditary cancer-predisposing syndrome. Also called: Tumor predisposition; Hereditary Cancer Syndrome; Neoplastic Syndromes, Hereditary; Hereditary neoplastic syndrome. Identifiers: Orphanet 140162, MedGen C0027672, MeSH D009386, MONDO:0015356.
Breast-ovarian cancer, familial, susceptibility to, 2 (BROVCA2). Also called: BRCA2 Hereditary Breast and Ovarian Cancer. Identifiers: Orphanet 145, MedGen C2675520, MONDO:0012933, OMIM 612555. Disease mechanism: loss of function.

Allele frequency attached by ClinVar (database versions not stated): gnomAD exomes below 0.00001.
gnomAD v4.1: 1 of 1,614,128 alleles (0.000062%); highest among the groups gnomAD compares: Non-Finnish European, 0.000085%; no homozygotes.

Submissions (6):

Women's Health and Genetics/Laboratory Corporation of America, LabCorp
Classification: Likely benign. Last evaluated: 2026-05-10. Review status: criteria provided, single submitter. Criteria: LabCorp Variant Classification Summary - May 2015. Collection method: clinical testing. Allele origin: germline.

Molecular Diagnostics Laboratory, Catalan Institute of Oncology
Classification: Likely benign for Hereditary cancer-predisposing syndrome. Last evaluated: 2024-12-09. Review status: criteria provided, single submitter. Criteria: ClinGen BRCA1BRCA2 ACMG Specifications BRCA2 V1.0.0. Collection method: clinical testing. Allele origin: germline.
Comment: PM2_Supporting, BP1_Strong c.9741G>A, located in exon 27 of the BRCA2 gene, is predicted to result in no splicing alteration (according to SpliceAI) and no amino acid change, p.(Gln3247=). It is not present in the population database gnomAD v2.1.1, non-cancer dataset (PM2_supporting). The SpliceAI algorithm predicts no significant impact on splicing (BP1_strong). To our knowledge, neither relevant clinical data nor well-established functional studies have been reported for this variant. This variant has been reported in the ClinVar database (1x benign, 3x likely benign) and in LOVD (1x likely benign), and it has not been classified in the BRCA Exchange database. Based on currently available information, the variant c.9741G>A should be considered a likely benign variant, according to ClinGen ENIGMA BRCA1 and BRCA2 Expert Panel Specifications to the ACMG/AMP Variant Interpretation Guidelines for BRCA2 Version 1.0.0.

Labcorp Genetics (formerly Invitae), Labcorp
Classification: Likely benign for Hereditary breast ovarian cancer syndrome. Last evaluated: 2024-08-05. Review status: criteria provided, single submitter. Criteria: Invitae Variant Classification Sherloc (09022015). Collection method: clinical testing. Allele origin: germline.

All of Us Research Program, National Institutes of Health
Classification: Likely benign for Breast-ovarian cancer, familial, susceptibility to, 2. Last evaluated: 2023-03-07. Review status: criteria provided, single submitter. Criteria: ACMG Guidelines, 2015. Collection method: clinical testing. Allele origin: germline. Inheritance: Autosomal dominant inheritance. Observed: 1 variant allele, 1 heterozygote.
Comment: This study involves interpretation of variants in research participants for the purpose of population health screening. Participant phenotype was not available at the time of variant classification. Additional details can be found in publication PMID: 35346344, PMCID: PMC8962531

Ambry Genetics
Classification: Likely benign for Hereditary cancer-predisposing syndrome. Last evaluated: 2018-08-29. Review status: criteria provided, single submitter. Criteria: Ambry Variant Classification Scheme 2023. Collection method: clinical testing. Allele origin: germline.

Color Diagnostics, LLC DBA Color Health
Classification: Likely benign for Hereditary cancer-predisposing syndrome. Last evaluated: 2017-05-12. Review status: criteria provided, single submitter. Criteria: ACMG Guidelines, 2015. Collection method: clinical testing. Allele origin: germline.

NM_000059.4(BRCA2):c.9741G>A (p.Gln3247=)

Gene: BRCA2 (BRCA2 DNA repair associated; plus strand). Cytogenetic location: 13q13.1.
Variant type: single nucleotide variant.
Coding change: c.9741G>A on transcript NM_000059.4 (MANE Select); coding-DNA position 9741, G replaced by A.
Protein change: p.Gln3247=; no amino-acid change (glutamine 3247 retained).
Molecular consequence: synonymous variant.
Genome position (GRCh38, 1-based): chr13:32,398,254, G>A. VCF-style: chr13-32398254-G-A. GRCh37 (hg19) VCF-style: chr13-32972391-G-A.
Identifiers: ClinVar variation 491388 (VCV000491388.19), dbSNP rs1555289942, ClinGen allele CA483439952.